The following is an entry in ClinVar:

NM_002439.5(MSH3):c.2326G>C (p.Ala776Pro)

Gene: MSH3 (mutS homolog 3; plus strand). Cytogenetic location: 5q14.1.
Variant type: single nucleotide variant.
Coding change: c.2326G>C on transcript NM_002439.5 (MANE Select); coding-DNA position 2326, G replaced by C.
Protein change: p.Ala776Pro; replaces alanine 776 with proline.
Molecular consequence: missense variant.
Genome position (GRCh38, 1-based): chr5:80,778,727, G>C. VCF-style: chr5-80778727-G-C. GRCh37 (hg19) VCF-style: chr5-80074546-G-C.
Other names: short protein forms A776P.
Identifiers: ClinVar variation 859321 (VCV000859321.12), dbSNP rs1744350390, ClinGen allele CA360281716.

ClinVar aggregate classification (germline): Uncertain significance. Review status: criteria provided, multiple submitters, no conflicts (2 of 4 stars). 2 submissions from 2 submitters: Uncertain significance (2). Last evaluated 2021-08-28.

Conditions:
Hereditary cancer-predisposing syndrome. Also called: Tumor predisposition; Hereditary neoplastic syndrome; Neoplastic Syndromes, Hereditary; Hereditary Cancer Syndrome. Identifiers: Orphanet 140162, MedGen C0027672, MeSH D009386, MONDO:0015356.

Submissions (2):

Ambry Genetics
Classification: Uncertain significance for Hereditary cancer-predisposing syndrome. Last evaluated: 2021-08-28. Review status: criteria provided, single submitter. Criteria: Ambry Variant Classification Scheme 2023. Collection method: clinical testing. Allele origin: germline.
Comment: The p.A776P variant (also known as c.2326G>C), located in coding exon 17 of the MSH3 gene, results from a G to C substitution at nucleotide position 2326. The alanine at codon 776 is replaced by proline, an amino acid with highly similar properties. This amino acid position is conserved. In addition, this alteration is predicted to be deleterious by in silico analysis. Since supporting evidence is limited at this time, the clinical significance of this alteration remains unclear.

Labcorp Genetics (formerly Invitae), Labcorp
Classification: Uncertain significance. Last evaluated: 2021-04-05. Review status: criteria provided, single submitter. Criteria: Invitae Variant Classification Sherloc (09022015). Collection method: clinical testing. Allele origin: germline.
Comment: This variant has not been reported in the literature in individuals with MSH3-related conditions. In summary, the available evidence is currently insufficient to determine the role of this variant in disease. Therefore, it has been classified as a Variant of Uncertain Significance. Algorithms developed to predict the effect of missense changes on protein structure and function are either unavailable or do not agree on the potential impact of this missense change (SIFT: "Tolerated"; PolyPhen-2: "Probably Damaging"; Align-GVGD: "Class C0"). This variant is not present in population databases (ExAC no frequency). This sequence change replaces alanine with proline at codon 776 of the MSH3 protein (p.Ala776Pro). The alanine residue is moderately conserved and there is a small physicochemical difference between alanine and proline.